The following is an entry in ClinVar:

NM_000875.5(IGF1R):c.2252C>T (p.Ser751Phe)

Gene: IGF1R (insulin like growth factor 1 receptor; plus strand). Cytogenetic location: 15q26.3.
Variant type: single nucleotide variant.
Coding change: c.2252C>T on transcript NM_000875.5 (MANE Select); coding-DNA position 2252, C replaced by T.
Protein change: p.Ser751Phe; replaces serine 751 with phenylalanine.
Molecular consequence: missense variant.
Genome position (GRCh38, 1-based): chr15:98,922,198, C>T. VCF-style: chr15-98922198-C-T. GRCh37 (hg19) VCF-style: chr15-99465427-C-T.
Other names: c.2252C>T, p.Ser751Phe (NM_001291858.2); short protein forms S751F.
Identifiers: ClinVar variation 1695634 (VCV001695634.2), dbSNP rs2151690713, ClinGen allele CA393680664.

ClinVar aggregate classification (germline): Uncertain significance (1 of 4 stars; one submission).

Submission:

GeneDx
Classification: Uncertain significance. Last evaluated: 2022-01-06. Review status: criteria provided, single submitter. Criteria: GeneDx Variant Classification Process June 2021. Collection method: clinical testing. Allele origin: germline. Affected: yes.
Comment: Not observed at significant frequency in large population cohorts (gnomAD); In silico analysis supports that this missense variant does not alter protein structure/function; Has not been previously published as pathogenic or benign to our knowledge